The following is an entry in ClinVar:

NM_020320.5(RARS2):c.1057C>T (p.His353Tyr)

Gene: RARS2 (arginyl-tRNA synthetase 2, mitochondrial; minus strand). Cytogenetic location: 6q15.
Variant type: single nucleotide variant.
Coding change: c.1057C>T on transcript NM_020320.5 (MANE Select); coding-DNA position 1057, C replaced by T.
Protein change: p.His353Tyr; replaces histidine 353 with tyrosine.
Molecular consequence: missense variant. On other transcripts: non-coding transcript variant (23).
Genome position (GRCh38, 1-based): chr6:87,520,235, G>A on the plus strand (C>T on the coding strand, the complement: RARS2 is on the minus strand). VCF-style: chr6-87520235-G-A. GRCh37 (hg19) VCF-style: chr6-88229953-G-A.
Other names: c.532C>T, p.His178Tyr (NM_001318785.2, NM_001350506.2, NM_001350507.2 and 4 more transcripts); c.1057C>T, p.His353Tyr (NM_001350505.2); short protein forms H178Y, H353Y.
Identifiers: ClinVar variation 2190112 (VCV002190112.1), dbSNP rs138460258, ClinGen allele CA3916400.

ClinVar aggregate classification (germline): Uncertain significance (1 of 4 stars; one submission).

Allele frequency attached by ClinVar (database versions not stated): ExAC 0.00002; ESP Exome Variant Server 0.00008; gnomAD 0.00010; TOPMed 0.00011; 1000 Genomes Project 0.00060; 1000 Genomes Project 30x 0.00062.
gnomAD v4.1: 23 of 1,612,274 alleles (0.0014%); highest among the groups gnomAD compares: African/African-American, 0.023%; no homozygotes.

Submission:

Labcorp Genetics (formerly Invitae), Labcorp
Classification: Uncertain significance. Last evaluated: 2022-03-01. Review status: criteria provided, single submitter. Criteria: Invitae Variant Classification Sherloc (09022015). Collection method: clinical testing. Allele origin: germline.
Comment: This sequence change replaces histidine, which is basic and polar, with tyrosine, which is neutral and polar, at codon 353 of the RARS2 protein (p.His353Tyr). This variant is present in population databases (rs138460258, gnomAD 0.03%). This variant has not been reported in the literature in individuals affected with RARS2-related conditions. Advanced modeling of protein sequence and biophysical properties (such as structural, functional, and spatial information, amino acid conservation, physicochemical variation, residue mobility, and thermodynamic stability) performed at Invitae indicates that this missense variant is expected to disrupt RARS2 protein function. Algorithms developed to predict the effect of sequence changes on RNA splicing suggest that this variant may create or strengthen a splice site. In summary, the available evidence is currently insufficient to determine the role of this variant in disease. Therefore, it has been classified as a Variant of Uncertain Significance.